The following is an entry in ClinVar:

NM_004260.4(RECQL4):c.2322_2325dup (p.Met776fs)

Gene: RECQL4 (RecQ like helicase 4; minus strand). Cytogenetic location: 8q24.3.
Variant type: Duplication.
Coding change: c.2322_2325dup on transcript NM_004260.4 (MANE Select); coding-DNA positions 2322 to 2325, 4 bases duplicated (TGGG; older notation c.2322_2325dupTGGG).
Protein change: p.Met776fs; shifts the reading frame from methionine 776.
Molecular consequence: frameshift variant. On other transcripts: non-coding transcript variant (3), intron variant (3).
Genome position (GRCh38, 1-based): chr8:144,513,356-144,513,359, CCCA duplicated on the plus strand (TGGG on the coding strand, the reverse complement: RECQL4 is on the minus strand). VCF-style (leftmost placement, unchanged base first): chr8-144513355-T-TCCCA. GRCh37 (hg19) VCF-style: chr8-145738738-T-TCCCA.
Other names: c.2322_2325dup, p.Met776fs (NM_001413019.1, NM_001413036.1); c.2226_2229dup, p.Met744fs (NM_001413020.1); c.1251_1254dup, p.Met419fs (NM_001413021.1, NM_001413022.1, NM_001413023.1 and 5 more transcripts); c.2193_2196dup, p.Met733fs (NM_001413025.1); c.1185_1188dup, p.Met397fs (NM_001413027.1, NM_001413041.1, NM_001413030.1 and 1 more transcripts); c.1119_1122dup, p.Met375fs (NM_001413037.1); c.2292_2295dup, p.Met766fs (NM_001413039.1); c.1221_1224dup, p.Met409fs (NM_001413042.1); and 7 more; short protein forms M419fs, M776fs, M353fs, M659fs, M744fs, M375fs, M733fs, M287fs.
Identifiers: ClinVar variation 2820097 (VCV002820097.3), dbSNP rs2538010993, ClinGen allele CA2739269062.

ClinVar aggregate classification (germline): Pathogenic (1 of 4 stars; one submission).

Conditions:
Baller-Gerold syndrome (BGS). Also called: CRANIOSYNOSTOSIS WITH RADIAL DEFECTS. Identifiers: Orphanet 1225, MedGen C0265308, MONDO:0009039, OMIM 218600.

Submission:

Labcorp Genetics (formerly Invitae), Labcorp
Classification: Pathogenic for Baller-Gerold syndrome. Last evaluated: 2022-12-11. Review status: criteria provided, single submitter. Criteria: Invitae Variant Classification Sherloc (09022015). Collection method: clinical testing. Allele origin: germline.
Comment: Algorithms developed to predict the effect of sequence changes on RNA splicing suggest that this variant may create or strengthen a splice site. For these reasons, this variant has been classified as Pathogenic. This variant has not been reported in the literature in individuals affected with RECQL4-related conditions. This sequence change creates a premature translational stop signal (p.Met776Trpfs*34) in the RECQL4 gene. It is expected to result in an absent or disrupted protein product. Loss-of-function variants in RECQL4 are known to be pathogenic (PMID: 12734318, 12952869). This variant is not present in population databases (gnomAD no frequency).

Literature cited by the submitters: PubMed 12734318; PubMed 12952869.